The following is an entry in ClinVar:

ClinVar aggregate classification (germline): Likely pathogenic. Review status: criteria provided, multiple submitters, no conflicts (2 of 4 stars). 2 submissions from 2 submitters: Likely pathogenic (2). Last evaluated 2025-12-31.

Conditions:
Progressive familial intrahepatic cholestasis type 2. Identifiers: Orphanet 79304, MedGen C3489789, MONDO:0011156, OMIM 601847.
Benign recurrent intrahepatic cholestasis type 2 (BRIC2). Also called: Recurrent familial intrahepatic cholestasis 2. Identifiers: Orphanet 65682, Orphanet 99961, MedGen C2608083, MONDO:0011559, OMIM 605479.

gnomAD v4.1: 4 of 1,613,052 alleles (0.00025%); highest among the groups gnomAD compares: Admixed American, 0.0017%; no homozygotes.

Submissions (2):

Victorian Clinical Genetics Services, Murdoch Childrens Research Institute
Classification: Likely pathogenic for Benign recurrent intrahepatic cholestasis type 2. Last evaluated: 2025-12-31. Review status: criteria provided, single submitter. Criteria: ACMG Guidelines, 2015. Collection method: clinical testing. Allele origin: germline. Affected: yes.
Comment: This variant is classified as Likely pathogenic. Evidence in support of pathogenic classification: Variant is present in gnomAD <0.01 for a recessive condition (v4: 4 heterozygote(s), 0 homozygote(s)). - This variant has limited previous evidence of pathogenicity in an unrelated individual. This variant has been classified as likely pathogenic by a clinical laboratory in ClinVar; Another missense variant comparable to the one identified in this case has moderate previous evidence for pathogenicity. The p.(Arg517His) variant has been classified as pathogenic and likely pathogenic by multiple clinical laboratories in ClinVar; Missense variant predicted to be damaging by in silico tool(s) or highly conserved with a major amino acid change; Heterozygous variant detected in trans with a second LIKELY PATHOGENIC heterozygous variant (NM_003742.4(ABCB11):c.3637G>A; p.(Gly1213Arg)) in a recessive disease. Additional information: Variant is predicted to result in a missense amino acid change from Arg to Cys; This variant is heterozygous; This gene is associated with autosomal recessive disease; Alternative amino acid change(s) at the same position are present in gnomAD (highest allele count: v4: 18 heterozygote(s), 0 homozygote(s)). - No published evidence of segregation with disease has been identified for this variant; No published functional evidence has been identified for this variant; Variant is located in the annotated ABC transporter domain (DECIPHER). - Loss of function is a known mechanism of disease in this gene and is associated with cholestasis, benign recurrent intrahepatic, 2 (MIM#605479), and cholestasis, progressive familial intrahepatic 2 (MIM#601847).

Immunogenetics and Transplant Biology Service, University Hospital "Città della Salute e della Scienza di Torino"
Classification: Likely pathogenic for Benign recurrent intrahepatic cholestasis type 2; Progressive familial intrahepatic cholestasis type 2. Last evaluated: 2025-06-28. Review status: criteria provided, single submitter. Criteria: ACMG Guidelines, 2015. Collection method: clinical testing. Allele origin: germline. Affected: yes.

NM_003742.4(ABCB11):c.1549C>T (p.Arg517Cys)

Gene: ABCB11 (ATP binding cassette subfamily B member 11; minus strand). Cytogenetic location: 2q31.1.
Variant type: single nucleotide variant.
Coding change: c.1549C>T on transcript NM_003742.4 (MANE Select); coding-DNA position 1549, C replaced by T.
Protein change: p.Arg517Cys; replaces arginine 517 with cysteine.
Molecular consequence: missense variant.
Genome position (GRCh38, 1-based): chr2:168,971,936, G>A on the plus strand (C>T on the coding strand, the complement: ABCB11 is on the minus strand). VCF-style: chr2-168971936-G-A. GRCh37 (hg19) VCF-style: chr2-169828446-G-A.
Other names: short protein forms R517C.
Identifiers: ClinVar variation 4072077 (VCV004072077.2).